The following is an entry in ClinVar:

ClinVar aggregate classification (germline): Pathogenic. Review status: reviewed by expert panel (3 of 4 stars). 12 submissions from 11 submitters: Pathogenic (1). 11 of the submissions do not count toward it. Last evaluated 2019-07-22.

Conditions:
Pituitary adenoma 5, multiple types. Identifiers: MedGen C4539685, MONDO:0054601, OMIM 617540.
Usher syndrome type 1D (USH1D). Also called: USHER SYNDROME, TYPE ID. Identifiers: Orphanet 231169, Orphanet 886, MedGen C1832845, MONDO:0010984, OMIM 601067.
Autosomal recessive nonsyndromic hearing loss 12. Also called: DEAFNESS, AUTOSOMAL RECESSIVE 12. Identifiers: Orphanet 90636, MedGen C1832394, MONDO:0011067, OMIM 601386.
autosomal recessive CDH23-related disorders.
Nonsyndromic genetic hearing loss. Also called: Nonsyndromic genetic deafness; Non-syndromic genetic deafness; Nonsyndromic hearing loss and deafness. Identifiers: Orphanet 87884, MedGen C5680182, MONDO:0019497.
Usher syndrome type 1 (USH1). Also called: RETINITIS PIGMENTOSA AND CONGENITAL DEAFNESS. Identifiers: Orphanet 231169, Orphanet 886, MedGen C1568247, MONDO:0010168, OMIM 276900.

Allele frequency attached by ClinVar (database versions not stated): gnomAD 0.00002 and 0.00001; 1000 Genomes Project 0.00020; gnomAD exomes 0.00004 and 0.00009; TOPMed 0.00001; ExAC 0.00009; 1000 Genomes Project 30x 0.00016.

Submissions (12):

ClinGen Hearing Loss Variant Curation Expert Panel
Classification: Pathogenic for Nonsyndromic genetic hearing loss. Last evaluated: 2019-07-22. Review status: reviewed by expert panel. Criteria: ClinGen HL ACMG Specifications v1. Collection method: curation. Allele origin: germline. Inheritance: Autosomal recessive inheritance.
Comment: The allele frequency of the c.719C>T (p.Pro240Leu) variant in the CDH23 gene is 0.05% (10/17246) of East Asian chromosomes by gnomAD, which is a low enough frequency to apply PM2_Supporting based on the thresholds defined by the ClinGen Hearing Loss Expert Panel for autosomal recessive hearing loss (PM2_Supporting). This variant has been reported in > 10 probands with hearing loss without evidence of retinal disease, including >5 homozygotes, at least 1 compound heterozygote with c.6712+1G>A variant, and >5 compound heterozygotes with rare variants of uncertain significance (PM3_Strong; PMID:24164807, 24618850, 25963016, 26264712, 17850630, 22899989). This variant has also segregated in 3 siblings with hearing loss (PP1_Strong, PMID: 17850630, 22899989). The variant was identified in the heterozygous state in a patient with Usher syndrome who also harbored a homozygous missense variant in MYO7A (PMID: 24618850). A case-control meta analysis found that the p.Pro240Leu variant was associated with a 12-fold higher risk of hearing loss compared to the wild-type allele (OR = 11.68; 95% CI = 3.16â€“43.24; PS4), though it should be noted that it appears that some probands were included in more than one study included in the meta-analysis (PMID 30367262). In summary, this variant meets criteria to be classified as pathogenic for autosomal recessive hearing loss based on the ACMG/AMP criteria applied, as specified by the Hearing Loss Expert Panel: PP1_Strong, PM3_Strong, PM2_Supporting, PS4.

GeneDx
Classification: Pathogenic. Last evaluated: 2026-10-06. Review status: criteria provided, single submitter. Criteria: GeneDx Variant Classification Process June 2021. Collection method: clinical testing. Allele origin: germline. Not counted in ClinVar's aggregate classification.
Comment: In silico analysis supports that this missense variant has a deleterious effect on protein structure/function; This variant is associated with the following publications: (PMID: 39843441, 36468022, 35248088, 34824372, 35020051, 26763877, 24164807, 30367262, 25963016, 27792758, 24767429, 26264712, 17850630, 23967202, 24618850, 38878669, 40164689, 34599366, 35761346, 32238869, 22443853, 25279224, 27583405, 38720048, 25373420, 27627659, 22899989)

Variantyx, Inc.
Classification: Pathogenic for Autosomal recessive CDH23-related disorders. Last evaluated: 2025-10-10. Review status: criteria provided, single submitter. Criteria: Variantyx Assertion Criteria 2022. Collection method: clinical testing. Allele origin: germline. Inheritance: Autosomal recessive inheritance. Not counted in ClinVar's aggregate classification.
Comment: This is a nonsynonymous variant in the CDH23 gene (OMIM: 605516). Pathogenic variants in this gene have been associated with autosomal recessive CDH23-related disorders. This variant has been identified in the homozygous or compound heterozygous state in several individuals reported in the published literature (PMID: 25963016, 26264712, 24164807). The frequency of this variant in affected individuals is significantly increased compared to controls (PMID: 30367262) (PS4) and it has been observed to segregate with disease in at least 3 individuals from 3 families (PMID: 17850630, 22899989) (PP1). Computational algorithms produce conflicting evidence regarding the predicted functional impact of this variant (REVEL score: 0.516). This variant has a 0.1309% maximum allele frequency in non-founder control populations (PM2). Based on the evidence, this variant is classified as pathogenic for autosomal recessive CDH23-related disorders.

Natera, Inc.
Classification: Pathogenic for Usher syndrome type 1. Last evaluated: 2025-05-07. Review status: criteria provided, single submitter. Criteria: Natera Variant Classification Schema (03/2026). Collection method: clinical testing. Allele origin: germline. Not counted in ClinVar's aggregate classification.
Comment: The c.719C>T variant in CDH23 is a missense variant predicted to cause substitution of proline to leucine at amino acid 240. This variant is rare in the general population with a frequency below the threshold expected for the associated phenotype(s). This variant has been observed in one or more individuals affected with the associated recessive disease, as either homozygous or compound heterozygous with a second variant (PMID: 34593925). Given the available evidence, this variant is classified as Pathogenic.

Labcorp Genetics (formerly Invitae), Labcorp
Classification: Pathogenic. Last evaluated: 2024-07-17. Review status: criteria provided, single submitter. Criteria: Invitae Variant Classification Sherloc (09022015). Collection method: clinical testing. Allele origin: germline. Not counted in ClinVar's aggregate classification.
Comment: This sequence change replaces proline, which is neutral and non-polar, with leucine, which is neutral and non-polar, at codon 240 of the CDH23 protein (p.Pro240Leu). This variant is present in population databases (rs121908354, gnomAD 0.06%). This missense change has been observed in individual(s) with non-syndromic hearing loss (PMID: 17850630, 22443853, 22899989, 23967202, 24767429, 25279224, 25963016, 26264712, 26763877, 27583405, 27792758). It has also been observed to segregate with disease in related individuals. ClinVar contains an entry for this variant (Variation ID: 4928). Advanced modeling of protein sequence and biophysical properties (such as structural, functional, and spatial information, amino acid conservation, physicochemical variation, residue mobility, and thermodynamic stability) performed at Invitae indicates that this missense variant is not expected to disrupt CDH23 protein function with a negative predictive value of 95%. For these reasons, this variant has been classified as Pathogenic.

Fulgent Genetics
Classification: Pathogenic for Usher syndrome type 1D; Autosomal recessive nonsyndromic hearing loss 12; Pituitary adenoma 5, multiple types. Last evaluated: 2024-04-11. Review status: criteria provided, single submitter. Criteria: ACMG Guidelines, 2015. Collection method: clinical testing. Allele origin: germline. Not counted in ClinVar's aggregate classification.

Baylor Genetics
Classification: Pathogenic for Pituitary adenoma 5, multiple types. Last evaluated: 2024-03-29. Review status: criteria provided, single submitter. Criteria: ACMG Guidelines, 2015. Collection method: clinical testing. Allele origin: unknown. Not counted in ClinVar's aggregate classification.

3billion
Classification: Pathogenic for Autosomal recessive nonsyndromic hearing loss 12. Last evaluated: 2022-01-03. Review status: criteria provided, single submitter. Criteria: ACMG Guidelines, 2015. Collection method: clinical testing. Allele origin: germline. Affected: yes. Observed: 1 heterozygote. Not counted in ClinVar's aggregate classification.
Comment: The variant has been observed in multiple (>3) similarly affected unrelated individuals(PMID: 30367262, PS4_S) and co-segregated with Deafness, autosomal recessive 12 in multiple affected family members with additional meioses meeting strong evidence levels (PMID: 17850630, 22899989, PP1_S). The variant has been reported to be in trans with a pathogenic variant as either compound heterozygous or homozygous in at least 2 similarly affected unrelated individuals(PMID: 24164807, 24618850, 25963016, 26264712, 17850630, 22899989, PM3_S). It is observed at an extremely low frequency in the gnomAD v2.1.1 dataset (total allele frequency: 0.000040, PM2_M). Therefore, this variant is classified as pathogenic according to the recommendation of ACMG/AMP guideline.

Illumina Laboratory Services, Illumina
Classification: Pathogenic for Autosomal recessive nonsyndromic hearing loss 12. Last evaluated: 2018-08-14. Review status: criteria provided, single submitter. Criteria: ICSL Variant Classification Criteria 09 May 2019. Collection method: clinical testing. Allele origin: germline. Not counted in ClinVar's aggregate classification.
Comment: Across a selection of the available literature, the CDH23 c.719C>T (p.Pro240Leu) missense variant has been identified in a homozygous state in nine affected individuals, in a compound heterozygous state in 20 affected individuals, and in a heterozygous state in 21 affected individuals. The phenotypic spectrum of these patients varied from mild to profound hearing loss, with age of onset ranging from infant to adult onset, with the majority presenting with bilateral hearing loss (Wagatsuma et al. 2007; Miyagawa et al. 2012; Miyagawa et al. 2013; Kim et al. 2015). One patient who was heterozygous for the p.Pro240Leu variant, was diagnosed with Usher syndrome. This individual also carried a homozygous missense variant in the MYO7A gene (Yoshimura et al. 2014). Of the 21 affected heterozygotes with hearing loss, 19 were reported in a study where the second allele may not have been ascertained due to limitations of a genotyping assay; five were from families with at least two affected generations but segregation of the variant was not demonstrated by the authors (Miyagawa et al. 2012). Variants in CDH23 have not been historically reported in association with dominant hearing loss, however a dominant presentation cannot be ruled out in these families. The p.Pro240Leu variant was reported in two of 676 controls in a heterozygous state and is reported at a frequency of 0.001276 in the East Asian population of the Exome Aggregation Consortium database. Based on the collective evidence, the p.Pro240Leu variant is classified as pathogenic for autosomal recessive nonsyndromic hearing loss. This variant was observed by ICSL as part of a predisposition screen in an ostensibly healthy population.

Illumina Laboratory Services, Illumina
Classification: Uncertain significance for Usher syndrome type 1D. Last evaluated: 2017-07-18. Review status: criteria provided, single submitter. Criteria: ICSL Variant Classification Criteria 13 December 2019. Collection method: clinical testing. Allele origin: germline. Not counted in ClinVar's aggregate classification.
Comment: This variant was observed as part of a predisposition screen in an ostensibly healthy population. A literature search was performed for the gene, cDNA change, and amino acid change (where applicable). Publications were found based on this search. However, the evidence from the literature, in combination with allele frequency data from public databases where available, was not sufficient to rule this variant in or out of causing disease. Therefore, this variant is classified as a variant of unknown significance.

Division of Hearing and Balance Research, National Hospital Organization Tokyo Medical Center
Classification: Pathogenic for Autosomal recessive nonsyndromic hearing loss 12. Last evaluated: 2017-07-01. Review status: criteria provided, single submitter. Criteria: Submitter's publication. Collection method: clinical testing. Allele origin: germline. Affected: yes. Observed: 14 variant alleles. Clinical features observed: Hearing impairment (HP:0000365). Not counted in ClinVar's aggregate classification.

OMIM
Classification: Pathogenic for DEAFNESS, AUTOSOMAL RECESSIVE 12. Last evaluated: 2007-10-01. Review status: no assertion criteria provided. Collection method: literature only. Allele origin: germline. Not counted in ClinVar's aggregate classification.

Literature cited by the submitters: PubMed 26264712 (cited by 5 submitters); PubMed 24618850 (cited by 3 submitters); PubMed 30367262 (cited by 3 submitters); PubMed 17850630 (cited by 6 submitters); PubMed 25963016 (cited by 4 submitters); PubMed 22899989 (cited by 5 submitters); PubMed 24164807 (cited by ClinGen Hearing Loss Variant Curation Expert Panel and 3billion); PubMed 34593925 (cited by Natera, Inc.); PubMed 22443853 (cited by Labcorp Genetics (formerly Invitae), Labcorp); PubMed 23967202 (cited by Labcorp Genetics (formerly Invitae), Labcorp and Illumina Laboratory Services, Illumina); PubMed 24767429 (cited by Labcorp Genetics (formerly Invitae), Labcorp); PubMed 25279224 (cited by Labcorp Genetics (formerly Invitae), Labcorp); PubMed 26763877 (cited by Labcorp Genetics (formerly Invitae), Labcorp); PubMed 27583405 (cited by Labcorp Genetics (formerly Invitae), Labcorp); PubMed 27792758 (cited by Labcorp Genetics (formerly Invitae), Labcorp).

NM_022124.6(CDH23):c.719C>T (p.Pro240Leu)

Gene: CDH23 (cadherin related 23; plus strand). Cytogenetic location: 10q22.1.
Variant type: single nucleotide variant.
Coding change: c.719C>T on transcript NM_022124.6 (MANE Select); coding-DNA position 719, C replaced by T.
Protein change: p.Pro240Leu; replaces proline 240 with leucine.
Molecular consequence: missense variant.
Genome position (GRCh38, 1-based): chr10:71,570,884, C>T. VCF-style: chr10-71570884-C-T. GRCh37 (hg19) VCF-style: chr10-73330641-C-T.
Other names: c.719C>T, p.Pro240Leu (NM_001171930.2, NM_001171931.2, NM_001171932.2 and 1 more transcripts); short protein forms P240L.
Identifiers: ClinVar variation 4928 (VCV000004928.24), dbSNP rs121908354, ClinGen allele CA253338.